The following is an entry in ClinVar:

ClinVar aggregate classification (germline): Uncertain significance (1 of 4 stars; one submission).

gnomAD v4.1: 3 of 1,614,170 alleles (0.00019%); highest among the groups gnomAD compares: East Asian, 0.0045%; no homozygotes.

Submission:

GeneDx
Classification: Uncertain significance. Last evaluated: 2023-07-26. Review status: criteria provided, single submitter. Criteria: GeneDx Variant Classification Process June 2021. Collection method: clinical testing. Allele origin: germline. Affected: yes.
Comment: Not observed at significant frequency in large population cohorts (gnomAD); In silico analysis supports that this missense variant has a deleterious effect on protein structure/function; Has not been previously published as pathogenic or benign to our knowledge

NM_014991.6(WDFY3):c.3406T>C (p.Tyr1136His)

Gene: WDFY3 (WD repeat and FYVE domain containing 3; minus strand). Cytogenetic location: 4q21.23.
Variant type: single nucleotide variant.
Coding change: c.3406T>C on transcript NM_014991.6 (MANE Select); coding-DNA position 3406, T replaced by C.
Protein change: p.Tyr1136His; replaces tyrosine 1136 with histidine.
Molecular consequence: missense variant.
Genome position (GRCh38, 1-based): chr4:84,794,600, A>G on the plus strand (T>C on the coding strand, the complement: WDFY3 is on the minus strand). VCF-style: chr4-84794600-A-G. GRCh37 (hg19) VCF-style: chr4-85715753-A-G.
Other names: short protein forms Y1136H.
Identifiers: ClinVar variation 3361566 (VCV003361566.1).